The following is an entry in ClinVar:

NM_002834.5(PTPN11):c.-273G>A

Gene: PTPN11 (protein tyrosine phosphatase non-receptor type 11; plus strand). Cytogenetic location: 12q24.13.
Variant type: single nucleotide variant.
Coding change: c.-273G>A on transcript NM_002834.5 (MANE Select); 273 bases upstream of the start codon, G replaced by A.
Genome position (GRCh38, 1-based): chr12:112,418,839, G>A. VCF-style: chr12-112418839-G-A. GRCh37 (hg19) VCF-style: chr12-112856643-G-A.
Identifiers: ClinVar variation 307220 (VCV000307220.15), dbSNP rs58805176, ClinGen allele CA10632047.

ClinVar aggregate classification (germline): Benign. Review status: criteria provided, multiple submitters, no conflicts (2 of 4 stars). 7 submissions from 5 submitters: Benign (7). Last evaluated 2026-02-02.

Conditions:
Juvenile myelomonocytic leukemia (JMML). Also called: LEUKEMIA, JUVENILE MYELOMONOCYTIC, SOMATIC. Identifiers: Orphanet 86834, MedGen C0349639, MONDO:0011908, OMIM 607785, HP:0012209.
Noonan syndrome 1 (NS1). Also called: TURNER PHENOTYPE WITH NORMAL KARYOTYPE; PTPN11-Related Noonan Syndrome; FEMALE PSEUDO-TURNER SYNDROME. Identifiers: Orphanet 648, MedGen C4551602, MONDO:0008104, OMIM 163950. Disease mechanism: gain of function.
Metachondromatosis (METCDS). Identifiers: Orphanet 2499, MedGen C0410530, MONDO:0007979, OMIM 156250.
LEOPARD syndrome 1 (LPRD1). Also called: LENTIGINOSIS, CARDIOMYOPATHIC; MULTIPLE LENTIGINES SYNDROME; PTPN11-Related LEOPARD Syndrome. Identifiers: Orphanet 500, MedGen C4551484, MONDO:0100082, OMIM 151100.
RASopathy. Also called: rasopathies; Noonan spectrum disorder. Identifiers: Orphanet 536391, MedGen C5555857, MONDO:0021060.

Allele frequency attached by ClinVar (database versions not stated): gnomAD 0.10884; TOPMed 0.11005; 1000 Genomes Project 30x 0.14194; 1000 Genomes Project 0.14317.

Submissions (7):

Labcorp Genetics (formerly Invitae), Labcorp
Classification: Benign for RASopathy. Last evaluated: 2026-02-02. Review status: criteria provided, single submitter. Criteria: Invitae Variant Classification Sherloc (09022015). Collection method: clinical testing. Allele origin: germline.

Fulgent Genetics
Classification: Benign for LEOPARD syndrome 1; Metachondromatosis; Noonan syndrome 1; Juvenile myelomonocytic leukemia. Last evaluated: 2021-10-31. Review status: criteria provided, single submitter. Criteria: ACMG Guidelines, 2015. Collection method: clinical testing. Allele origin: unknown.

GeneDx
Classification: Benign. Last evaluated: 2018-06-19. Review status: criteria provided, single submitter. Criteria: GeneDx Variant Classification (06012015). Collection method: clinical testing. Allele origin: germline. Affected: yes.
Comment: This variant is considered likely benign or benign based on one or more of the following criteria: it is a conservative change, it occurs at a poorly conserved position in the protein, it is predicted to be benign by multiple in silico algorithms, and/or has population frequency not consistent with disease.

Illumina Laboratory Services, Illumina
Classification: Benign for Metachondromatosis. Last evaluated: 2018-01-13. Review status: criteria provided, single submitter. Criteria: ICSL Variant Classification Criteria 13 December 2019. Collection method: clinical testing. Allele origin: germline.
Comment: This variant was observed in the ICSL laboratory as part of a predisposition screen in an ostensibly healthy population. It had not been previously curated by ICSL or reported in the Human Gene Mutation Database (HGMD: prior to June 1st, 2018), and was therefore a candidate for classification through an automated scoring system. Utilizing variant allele frequency, disease prevalence and penetrance estimates, and inheritance mode, an automated score was calculated to assess if this variant is too frequent to cause the disease. Based on the score and internal cut-off values, a variant classified as benign is not then subjected to further curation. The score for this variant resulted in a classification of benign for this disease.

Illumina Laboratory Services, Illumina
Classification: Benign for LEOPARD syndrome 1. Last evaluated: 2018-01-13. Review status: criteria provided, single submitter. Criteria: ICSL Variant Classification Criteria 13 December 2019. Collection method: clinical testing. Allele origin: germline.
Comment: the same text as in the submission from Illumina Laboratory Services, Illumina above.

Illumina Laboratory Services, Illumina
Classification: Benign for Noonan syndrome 1. Last evaluated: 2018-01-13. Review status: criteria provided, single submitter. Criteria: ICSL Variant Classification Criteria 13 December 2019. Collection method: clinical testing. Allele origin: germline.
Comment: the same text as in the submission from Illumina Laboratory Services, Illumina above.

Breakthrough Genomics
Classification: Benign. Review status: criteria provided, single submitter. Criteria: ACMG Guidelines, 2015. Collection method: not provided. Allele origin: germline. Inheritance: Autosomal dominant inheritance. Affected: yes.